The following is an entry in ClinVar:

NM_004239.4(TRIP11):c.2557C>T (p.Arg853Ter)

Gene: TRIP11 (thyroid hormone receptor interactor 11; minus strand). Cytogenetic location: 14q32.12.
Variant type: single nucleotide variant.
Coding change: c.2557C>T on transcript NM_004239.4 (MANE Select); coding-DNA position 2557, C replaced by T.
Protein change: p.Arg853Ter; replaces arginine 853 with a stop codon.
Molecular consequence: nonsense.
Genome position (GRCh38, 1-based): chr14:92,005,419, G>A on the plus strand (C>T on the coding strand, the complement: TRIP11 is on the minus strand). VCF-style: chr14-92005419-G-A. GRCh37 (hg19) VCF-style: chr14-92471763-G-A.
Other names: c.2554C>T, p.Arg852Ter (NM_001321851.1); short protein forms R853*, R852*.
Identifiers: ClinVar variation 583332 (VCV000583332.11), dbSNP rs1053206465, ClinGen allele CA265611506.

ClinVar aggregate classification (germline): Pathogenic (1 of 4 stars; one submission).

Conditions:
Achondrogenesis, type IA (ACG1A). Identifiers: Orphanet 932, Orphanet 93299, MedGen C0265273, MONDO:0008701, OMIM 200600.

Allele frequency attached by ClinVar (database versions not stated): gnomAD 0.00001; gnomAD exomes 0.00001; TOPMed 0.00002.

Submission:

Labcorp Genetics (formerly Invitae), Labcorp
Classification: Pathogenic for Achondrogenesis, type IA. Last evaluated: 2025-09-15. Review status: criteria provided, single submitter. Criteria: Invitae Variant Classification Sherloc (09022015). Collection method: clinical testing. Allele origin: germline.
Comment: This sequence change creates a premature translational stop signal (p.Arg853*) in the TRIP11 gene. It is expected to result in an absent or disrupted protein product. Loss-of-function variants in TRIP11 are known to be pathogenic (PMID: 20089971, 23956106). This variant is present in population databases (no rsID available, gnomAD 0.002%). This premature translational stop signal has been observed in individual(s) with TRIP11-related conditions (internal data). ClinVar contains an entry for this variant (Variation ID: 583332). For these reasons, this variant has been classified as Pathogenic.

Literature cited by the submitters: PubMed 20089971; PubMed 23956106.